The following is an entry in ClinVar:

NM_032447.5(FBN3):c.6638A>G (p.Asp2213Gly)

Gene: FBN3 (fibrillin 3; minus strand). Cytogenetic location: 19p13.2.
Variant type: single nucleotide variant.
Coding change: c.6638A>G on transcript NM_032447.5 (MANE Select); coding-DNA position 6638, A replaced by G.
Protein change: p.Asp2213Gly; replaces aspartic acid 2213 with glycine.
Molecular consequence: missense variant.
Genome position (GRCh38, 1-based): chr19:8,087,193, T>C on the plus strand (A>G on the coding strand, the complement: FBN3 is on the minus strand). VCF-style: chr19-8087193-T-C. GRCh37 (hg19) VCF-style: chr19-8152077-T-C.
Other names: c.6638A>G, p.Asp2213Gly (NM_001321431.2); short protein forms D2213G.
Identifiers: ClinVar variation 4744347 (VCV004744347.1).
Genomic context (GRCh38, chr19:8,087,193, plus strand): 5'-GCGAAGGTACCGATGAGGTTCTTGCACTCCATGCCCCGGGCGTGGCAGTCCTGCTGACCA[T>C]CTGCACACTCGTCCACATCTTCGGATGACCAGAGACAGATGGTCAGTCAAGGCCAGGCAC-3'
Protein context (NP_115823.3, residues 2203-2223): AMCRDVDECA[Asp2213Gly]GQQDCHARGM

ClinVar aggregate classification (germline): Uncertain significance (1 of 4 stars; one submission).

Submission:

Labcorp Genetics (formerly Invitae), Labcorp
Classification: Uncertain significance. Last evaluated: 2025-08-11. Review status: criteria provided, single submitter. Criteria: Invitae Variant Classification Sherloc (09022015). Collection method: clinical testing. Allele origin: germline.
Comment: This sequence change replaces aspartic acid, which is acidic and polar, with glycine, which is neutral and non-polar, at codon 2213 of the FBN3 protein (p.Asp2213Gly). This variant is present in population databases (no rsID available, gnomAD 0.01%). This variant has not been reported in the literature in individuals affected with FBN3-related conditions. Invitae Evidence Modeling of protein sequence and biophysical properties (such as structural, functional, and spatial information, amino acid conservation, physicochemical variation, residue mobility, and thermodynamic stability) indicates that this missense variant is not expected to disrupt FBN3 protein function with a negative predictive value of 80%. In summary, the available evidence is currently insufficient to determine the role of this variant in disease. Therefore, it has been classified as a Variant of Uncertain Significance.